The following is an entry in ClinVar:

NM_001194998.2(CEP152):c.4208C>T (p.Thr1403Ile)

Gene: CEP152 (centrosomal protein 152; minus strand). Cytogenetic location: 15q21.1.
Variant type: single nucleotide variant.
Coding change: c.4208C>T on transcript NM_001194998.2 (MANE Select); coding-DNA position 4208, C replaced by T.
Protein change: p.Thr1403Ile; replaces threonine 1403 with isoleucine.
Molecular consequence: missense variant.
Genome position (GRCh38, 1-based): chr15:48,739,174, G>A on the plus strand (C>T on the coding strand, the complement: CEP152 is on the minus strand). VCF-style: chr15-48739174-G-A. GRCh37 (hg19) VCF-style: chr15-49031371-G-A.
Other names: c.4040C>T, p.Thr1347Ile (NM_014985.4); c.4040C>T (NM_014985.3); short protein forms T1347I, T1403I.
Identifiers: ClinVar variation 1354623 (VCV001354623.5), dbSNP rs201317763, ClinGen allele CA7548141.
Genomic context (GRCh38, chr15:48,739,174, plus strand): 5'-AACAGCCTTTGTAAGTTACAAGCTGCCCTCCTCTTGGGAGCTTGTTCGCACAGAGTTCTG[G>A]TGATGGTGTTTACACTATTTGATTTGCTTTCAATACAACATGGTATTTTCTGATTCACAT-3'
Protein context (NP_001181927.1, residues 1393-1413): ESKSNSVNTI[Thr1403Ile]RTLCEQAPKR

ClinVar aggregate classification (germline): Uncertain significance. Review status: criteria provided, multiple submitters, no conflicts (2 of 4 stars). 2 submissions from 2 submitters: Uncertain significance (2). Last evaluated 2025-05-23.

Conditions:
Inborn genetic diseases. Identifiers: MedGen C0950123, MeSH D030342.

Allele frequency attached by ClinVar (database versions not stated): gnomAD 0.00017 and 0.00019; gnomAD exomes 0.00014 and 0.00028; TOPMed 0.00022; ExAC 0.00011; ESP Exome Variant Server 0.00017.

Submissions (2):

Ambry Genetics
Classification: Uncertain significance for Inborn genetic diseases. Last evaluated: 2025-05-23. Review status: criteria provided, single submitter. Criteria: Ambry Variant Classification Scheme 2023. Collection method: clinical testing. Allele origin: germline.

Labcorp Genetics (formerly Invitae), Labcorp
Classification: Uncertain significance. Last evaluated: 2022-08-23. Review status: criteria provided, single submitter. Criteria: Invitae Variant Classification Sherloc (09022015). Collection method: clinical testing. Allele origin: germline.
Comment: This sequence change replaces threonine, which is neutral and polar, with isoleucine, which is neutral and non-polar, at codon 1347 of the CEP152 protein (p.Thr1347Ile). This variant is present in population databases (rs201317763, gnomAD 0.03%). This variant has not been reported in the literature in individuals affected with CEP152-related conditions. ClinVar contains an entry for this variant (Variation ID: 1354623). Algorithms developed to predict the effect of missense changes on protein structure and function (SIFT, PolyPhen-2, Align-GVGD) all suggest that this variant is likely to be tolerated. In summary, the available evidence is currently insufficient to determine the role of this variant in disease. Therefore, it has been classified as a Variant of Uncertain Significance.